The following is an entry in ClinVar:

NC_012920.1(MT-ND3):m.10398A>T

Gene: MT-ND3 (mitochondrially encoded NADH dehydrogenase 3; plus strand).
Variant type: single nucleotide variant.
Genome position: chrM-10398-A-T.
Identifiers: ClinVar variation 693288 (VCV000693288.1), dbSNP rs2853826, ClinGen allele CA414805411.
Genomic context (GRCh38, chrMT:10,398, plus strand): 5'-TTAATCATCATCCTAGCCCTAAGTCTGGCCTATGAGTGACTACAAAAAGGATTAGACTGA[A>T]CCGAATTGGTATATAGTTTAAACAAAACGAATGATTTCGACTCATTAAATTATGATAATC-3'

ClinVar aggregate classification (germline): Likely benign (1 of 4 stars; one submission).

Conditions:
Leigh syndrome (NULS). Also called: Leigh's necrotizing encephalopathy; Leigh's disease; Leigh Syndrome (mtDNA deletion); Leigh Disease; Subacute necrotizing encephalopathy; Necrotizing encephalopathy infantile subacute of Leigh. Identifiers: Orphanet 506, MedGen C2931891, MONDO:0009723, OMIM 256000.

Submission:

Wong Mito Lab, Molecular and Human Genetics, Baylor College of Medicine
Classification: Likely benign for Leigh syndrome. Last evaluated: 2019-10-17. Review status: criteria provided, single submitter. Criteria: Modified ACMG Guidelines (Unpublished). Collection method: clinical testing. Allele origin: germline.
Comment: The NC_012920.1:m.10398A>T (YP_003024033.1:p.Thr114Ser) variant in MTND3 gene is interpretated to be a Likely Benign variant based on the modified ACMG guidelines (unpublished). This variant meets the following evidence codes: BS1, BP4